The following is an entry in ClinVar:

NM_001142800.2(EYS):c.8038C>A (p.Pro2680Thr)

Gene: EYS (eyes shut homolog; minus strand). Cytogenetic location: 6q12.
Variant type: single nucleotide variant.
Coding change: c.8038C>A on transcript NM_001142800.2 (MANE Select); coding-DNA position 8038, C replaced by A.
Protein change: p.Pro2680Thr; replaces proline 2680 with threonine.
Molecular consequence: missense variant.
Genome position (GRCh38, 1-based): chr6:63,762,494, G>T on the plus strand (C>A on the coding strand, the complement: EYS is on the minus strand). VCF-style: chr6-63762494-G-T. GRCh37 (hg19) VCF-style: chr6-64472387-G-T.
Other names: c.8038C>A, p.Pro2680Thr (NM_001292009.2); short protein forms P2680T.
Identifiers: ClinVar variation 1014557 (VCV001014557.6), dbSNP rs757929455, ClinGen allele CA3876750.

ClinVar aggregate classification (germline): Uncertain significance (1 of 4 stars; one submission).

Allele frequency attached by ClinVar (database versions not stated): ExAC 0.00005; TOPMed below 0.00001; gnomAD exomes 0.00001.
gnomAD v4.1: 9 of 1,550,154 alleles (0.00058%); highest among the groups gnomAD compares: South Asian, 0.0083%; no homozygotes.

Submission:

Labcorp Genetics (formerly Invitae), Labcorp
Classification: Uncertain significance. Last evaluated: 2022-02-11. Review status: criteria provided, single submitter. Criteria: Invitae Variant Classification Sherloc (09022015). Collection method: clinical testing. Allele origin: germline.
Comment: In summary, the available evidence is currently insufficient to determine the role of this variant in disease. Therefore, it has been classified as a Variant of Uncertain Significance. Algorithms developed to predict the effect of missense changes on protein structure and function are either unavailable or do not agree on the potential impact of this missense change (SIFT: "Deleterious"; PolyPhen-2: "Probably Damaging"; Align-GVGD: "Class C0"). ClinVar contains an entry for this variant (Variation ID: 1014557). This variant has not been reported in the literature in individuals affected with EYS-related conditions. This variant is present in population databases (rs757929455, gnomAD 0.009%). This sequence change replaces proline, which is neutral and non-polar, with threonine, which is neutral and polar, at codon 2680 of the EYS protein (p.Pro2680Thr).